The following is an entry in ClinVar:

NM_018139.3(DNAAF2):c.1467T>C (p.Asp489=)

Gene: DNAAF2 (dynein axonemal assembly factor 2; minus strand). Cytogenetic location: 14q21.3.
Variant type: single nucleotide variant.
Coding change: c.1467T>C on transcript NM_018139.3 (MANE Select); coding-DNA position 1467, T replaced by C.
Protein change: p.Asp489=; no amino-acid change (aspartic acid 489 retained).
Molecular consequence: synonymous variant. On other transcripts: 5 prime UTR variant (1).
Genome position (GRCh38, 1-based): chr14:49,633,683, A>G on the plus strand (T>C on the coding strand, the complement: DNAAF2 is on the minus strand). VCF-style: chr14-49633683-A-G. GRCh37 (hg19) VCF-style: chr14-50100401-A-G.
Other names: c.1467T>C, p.Asp489= (NM_001083908.2); c.-405T>C (NM_001378453.1).
Identifiers: ClinVar variation 525529 (VCV000525529.14), dbSNP rs201056459, ClinGen allele CA7172909.
Genomic context (GRCh38, chr14:49,633,683, plus strand): 5'-GGCGCAGGCTGAGCGCTGGCCGCCCGTGCCCTCCGACTCCTCGCGTGTTTCCACACTGCT[A>G]TCTCCGCGCGCACTCTCTCTTCCCGCAGAAGAACCCCACGCCAGGCTCCGGGAGGACAAA-3'
Protein context (NP_060609.2, residues 479-499): SSAGRESARG[Asp489=]SSVETREESE

ClinVar aggregate classification (germline): Likely benign. Review status: criteria provided, multiple submitters, no conflicts (2 of 4 stars). 3 submissions from 3 submitters: Likely benign (2). 1 of the submissions does not count toward it. Last evaluated 2025-12-06.

Conditions:
DNAAF2-related disorder. Also called: DNAAF2-related condition.
Primary ciliary dyskinesia. Also called: Ciliary dyskinesia. Identifiers: Orphanet 244, MedGen C0008780, MONDO:0016575, HP:0012265.

Allele frequency attached by ClinVar (database versions not stated): gnomAD 0.00001 and 0.00004; TOPMed 0.00002; gnomAD exomes 0.00007 and 0.00012; ExAC 0.00014; 1000 Genomes Project 30x 0.00062; 1000 Genomes Project 0.00080.
gnomAD v4.1: 105 of 1,607,164 alleles (0.0065%); highest among the groups gnomAD compares: South Asian, 0.089%; 1 homozygote.

Submissions (3):

Labcorp Genetics (formerly Invitae), Labcorp
Classification: Likely benign for Primary ciliary dyskinesia. Last evaluated: 2025-12-06. Review status: criteria provided, single submitter. Criteria: Invitae Variant Classification Sherloc (09022015). Collection method: clinical testing. Allele origin: germline.

Ambry Genetics
Classification: Likely benign for Primary ciliary dyskinesia. Last evaluated: 2023-07-03. Review status: criteria provided, single submitter. Criteria: Ambry Variant Classification Scheme 2023. Collection method: clinical testing. Allele origin: germline.

PreventionGenetics, part of Exact Sciences
Classification: Likely benign for DNAAF2-related condition. Last evaluated: 2019-05-07. Review status: no assertion criteria provided. Collection method: clinical testing. Allele origin: germline. Not counted in ClinVar's aggregate classification.
Comment: This variant is classified as likely benign based on ACMG/AMP sequence variant interpretation guidelines (Richards et al. 2015 PMID: 25741868, with internal and published modifications).